The following is an entry in ClinVar:

NM_000057.4(BLM):c.305G>A (p.Gly102Asp)

Gene: BLM (BLM RecQ like helicase; plus strand). Cytogenetic location: 15q26.1.
Variant type: single nucleotide variant.
Coding change: c.305G>A on transcript NM_000057.4 (MANE Select); coding-DNA position 305, G replaced by A.
Protein change: p.Gly102Asp; replaces glycine 102 with aspartic acid.
Molecular consequence: missense variant. On other transcripts: 5 prime UTR variant (1).
Genome position (GRCh38, 1-based): chr15:90,749,573, G>A. VCF-style: chr15-90749573-G-A. GRCh37 (hg19) VCF-style: chr15-91292803-G-A.
Other names: c.305G>A (NM_000057.2); c.305G>A, p.Gly102Asp (NM_001287246.2, NM_001287247.2); c.-987G>A (NM_001287248.2); short protein forms G102D.
Identifiers: ClinVar variation 933272 (VCV000933272.13), dbSNP rs1186813751, ClinGen allele CA393840212.

ClinVar aggregate classification (germline): Uncertain significance. Review status: criteria provided, multiple submitters, no conflicts (2 of 4 stars). 3 submissions from 3 submitters: Uncertain significance (2). 1 of the submissions does not count toward it. Last evaluated 2025-11-05.

Conditions:
Hereditary cancer-predisposing syndrome. Also called: Neoplastic Syndromes, Hereditary; Hereditary Cancer Syndrome; Hereditary neoplastic syndrome; Tumor predisposition. Identifiers: Orphanet 140162, MedGen C0027672, MeSH D009386, MONDO:0015356.
Bloom syndrome (BLM). Also called: Bloom-Torre-Machacek syndrome. Identifiers: Orphanet 125, MedGen C0005859, MONDO:0008876, OMIM 210900.

Allele frequency attached by ClinVar (database versions not stated): gnomAD exomes below 0.00001.
gnomAD v4.1: 11 of 1,614,156 alleles (0.00068%); highest among the groups gnomAD compares: African/African-American, 0.0013%; no homozygotes.

Submissions (3):

Labcorp Genetics (formerly Invitae), Labcorp
Classification: Uncertain significance for Bloom syndrome. Last evaluated: 2025-11-05. Review status: criteria provided, single submitter. Criteria: Invitae Variant Classification Sherloc (09022015). Collection method: clinical testing. Allele origin: germline.
Comment: This sequence change replaces glycine, which is neutral and non-polar, with aspartic acid, which is acidic and polar, at codon 102 of the BLM protein (p.Gly102Asp). This variant is present in population databases (no rsID available, gnomAD 0.0009%). This variant has not been reported in the literature in individuals affected with BLM-related conditions. ClinVar contains an entry for this variant (Variation ID: 933272). An algorithm developed to predict the effect of missense changes on protein structure and function (PolyPhen-2) suggests that this variant is likely to be tolerated. In summary, the available evidence is currently insufficient to determine the role of this variant in disease. Therefore, it has been classified as a Variant of Uncertain Significance.

Ambry Genetics
Classification: Uncertain significance for Hereditary cancer-predisposing syndrome. Last evaluated: 2025-08-22. Review status: criteria provided, single submitter. Criteria: Ambry Variant Classification Scheme 2023. Collection method: clinical testing. Allele origin: germline.
Comment: The p.G102D variant (also known as c.305G>A), located in coding exon 2 of the BLM gene, results from a G to A substitution at nucleotide position 305. The glycine at codon 102 is replaced by aspartic acid, an amino acid with similar properties. This amino acid position is conserved. In addition, this alteration is predicted to be tolerated by in silico analysis. Since supporting evidence is limited at this time, the clinical significance of this alteration remains unclear.

Natera, Inc.
Classification: Uncertain significance for Bloom syndrome. Last evaluated: 2020-03-01. Review status: no assertion criteria provided. Collection method: clinical testing. Allele origin: germline. Not counted in ClinVar's aggregate classification.